The following is an entry in ClinVar:

ClinVar aggregate classification (germline): Pathogenic (1 of 4 stars; one submission).

Conditions:
Mucopolysaccharidosis type 6 (MPS6). Also called: N-ACETYLGALACTOSAMINE-4-SULFATASE DEFICIENCY; MPS VI; MPS 6; Maroteaux Lamy syndrome; ARSB DEFICIENCY; ARYLSULFATASE B DEFICIENCY. Identifiers: Orphanet 583, MedGen C0026709, MONDO:0009661, OMIM 253200.

Submission:

Laboratory of Diagnosis and Therapy of Lysosomal Disorders, University of Padova
Classification: Pathogenic for Mucopolysaccharidosis type 6. Last evaluated: 2018-01-01. Review status: criteria provided, single submitter. Criteria: ACMG Guidelines, 2015. Collection method: curation. Allele origin: germline. Affected: yes.
Comment: Frameshift variant (PVS1); In vitro functional studies supportive of a damaging effect on the gene product (low to no ARSB activity in homozygotes; PS3); Absent from GnomAD (PM2)

Literature cited by the submitters: PubMed 24677745; PubMed 30118150.

NM_000046.5(ARSB):c.208_215del (p.Pro70fs)

Genes: ARSB (arylsulfatase B; minus strand), LOC129994126 (ATAC-STARR-seq lymphoblastoid silent region 16127; plus strand). Cytogenetic location: 5q14.1.
Variant type: Deletion.
Coding change: c.208_215del on transcript NM_000046.5 (MANE Select); coding-DNA positions 208 to 215, 8 bases deleted (CCGCACCT; older notation c.208_215delCCGCACCT).
Protein change: p.Pro70fs; shifts the reading frame from proline 70.
Molecular consequence: frameshift variant.
Genome position (GRCh38, 1-based): chr5:78,985,034-78,985,041, AGGTGCGG deleted on the plus strand (CCGCACCT on the coding strand, the reverse complement: ARSB is on the minus strand). VCF-style (leftmost placement, unchanged base first): chr5-78985033-CAGGTGCGG-C. GRCh37 (hg19) VCF-style: chr5-78280856-CAGGTGCGG-C.
Other names: c.208_215del, p.Pro70fs (NM_198709.3); short protein forms P70fs.
Identifiers: ClinVar variation 559738 (VCV000559738.1), dbSNP rs1554032155, ClinGen allele CA658822943.